The following is an entry in ClinVar:

ClinVar aggregate classification (germline): Uncertain significance. Review status: criteria provided, multiple submitters, no conflicts (2 of 4 stars). 2 submissions from 2 submitters: Uncertain significance (2). Last evaluated 2024-11-15.

Conditions:
Fanconi anemia complementation group J. Also called: BRIP1-Related Fanconi Anemia. Identifiers: Orphanet 84, MedGen C1836860, MONDO:0012187, OMIM 609054.
Familial cancer of breast. Also called: BREAST CANCER, FAMILIAL; Hereditary breast cancer; hereditary breast carcinoma. Identifiers: Orphanet 227535, MedGen C0346153, MONDO:0016419, OMIM 114480. Disease mechanism: loss of function.

Submissions (2):

Labcorp Genetics (formerly Invitae), Labcorp
Classification: Uncertain significance for Familial cancer of breast; Fanconi anemia complementation group J. Last evaluated: 2024-11-15. Review status: criteria provided, single submitter. Criteria: Invitae Variant Classification Sherloc (09022015). Collection method: clinical testing. Allele origin: germline.
Comment: This sequence change replaces alanine, which is neutral and non-polar, with valine, which is neutral and non-polar, at codon 257 of the BRIP1 protein (p.Ala257Val). This variant is not present in population databases (gnomAD no frequency). This variant has not been reported in the literature in individuals affected with BRIP1-related conditions. ClinVar contains an entry for this variant (Variation ID: 1434525). Invitae Evidence Modeling of protein sequence and biophysical properties (such as structural, functional, and spatial information, amino acid conservation, physicochemical variation, residue mobility, and thermodynamic stability) has been performed for this missense variant. However, the output from this modeling did not meet the statistical confidence thresholds required to predict the impact of this variant on BRIP1 protein function. In summary, the available evidence is currently insufficient to determine the role of this variant in disease. Therefore, it has been classified as a Variant of Uncertain Significance.

Baylor Genetics
Classification: Uncertain significance for Familial cancer of breast. Last evaluated: 2023-10-10. Review status: criteria provided, single submitter. Criteria: ACMG Guidelines, 2015. Collection method: clinical testing. Allele origin: unknown.

NM_032043.3(BRIP1):c.770C>T (p.Ala257Val)

Gene: BRIP1 (BRCA1 interacting DNA helicase 1; minus strand). Cytogenetic location: 17q23.2.
Variant type: single nucleotide variant.
Coding change: c.770C>T on transcript NM_032043.3 (MANE Select); coding-DNA position 770, C replaced by T.
Protein change: p.Ala257Val; replaces alanine 257 with valine.
Molecular consequence: missense variant.
Genome position (GRCh38, 1-based): chr17:61,808,615, G>A on the plus strand (C>T on the coding strand, the complement: BRIP1 is on the minus strand). VCF-style: chr17-61808615-G-A. GRCh37 (hg19) VCF-style: chr17-59885976-G-A.
Other names: short protein forms A257V.
Identifiers: ClinVar variation 1434525 (VCV001434525.10), dbSNP rs1555609260, ClinGen allele CA400484943.